The following is an entry in ClinVar:

NM_001142864.4(PIEZO1):c.6136_6138delinsATG (p.Phe2046Met)

Gene: PIEZO1 (piezo type mechanosensitive ion channel component 1 (Er blood group); minus strand). Cytogenetic location: 16q24.3.
Variant type: Indel.
Coding change: c.6136_6138delinsATG on transcript NM_001142864.4 (MANE Select); coding-DNA positions 6136 to 6138, TTC replaced by ATG.
Protein change: p.Phe2046Met; replaces phenylalanine 2046 with methionine.
Molecular consequence: missense variant.
Genome position (GRCh38, 1-based): chr16:88,720,095-88,720,097, GAA replaced by CAT on the plus strand (TTC replaced by ATG on the coding strand, the reverse complement: PIEZO1 is on the minus strand). VCF-style: chr16-88720095-GAA-CAT. GRCh37 (hg19) VCF-style: chr16-88786503-GAA-CAT.
Other names: short protein forms F2046M.
Identifiers: ClinVar variation 5005657 (VCV005005657.2).
Genomic context (GRCh38, chr16:88,720,095, plus strand): 5'-CCTGGAGACCGAGCGCCCCCACGCGTGGGCCCACCTCTCAGTGACGGCGGGCAGGATGAA[GAA>CAT]CATCCATAGGTGGATGGCCAGCACCAGCGCCACCTGGAAGGCCAGCTTGCCCAGCACGGT-3'
Protein context (NP_001136336.2, residues 2036-2056): ALVLAIHLWM[Phe2046Met]FILPAVTERM

ClinVar aggregate classification (germline): Uncertain significance (1 of 4 stars; one submission).

Conditions:
Blood group, ER (ER). Also called: ER BLOOD GROUP SYSTEM. Identifiers: MedGen C5703066, OMIM 620207.
Dehydrated hereditary stomatocytosis with or without pseudohyperkalemia and/or perinatal edema (DHS1). Also called: Dehydrated hereditary stomatocytosis 1 with or without pseudohyperkalemia and/or perinatal edema; PSEUDOHYPERKALEMIA EDINBURGH; DEHYDRATED HEREDITARY STOMATOCYTOSIS AND PSEUDOHYPERKALEMIA; DEHYDRATED HEREDITARY STOMATOCYTOSIS WITH PSEUDOHYPERKALEMIA AND PERINATAL EDEMA; Pseudohyperkalemia, familial, 1, due to red cell leak. Identifiers: Orphanet 3202, MedGen C4551512, MONDO:0008689, OMIM 194380.
Lymphatic malformation 6 (LMPHM6). Also called: PIEZO1-related generalized lymphatic dysplasia with non-immune hydrops fetalis; GENERALIZED LYMPHATIC DYSPLASIA OF FOTIOU; Lymphedema, hereditary, III. Identifiers: Orphanet 568062, MedGen C4225184, MONDO:0014797, OMIM 616843.

Submission:

Juno Genomics, Hangzhou Juno Genomics, Inc
Classification: Uncertain significance for Blood group, ER; Dehydrated hereditary stomatocytosis with or without pseudohyperkalemia and/or perinatal edema; Lymphatic malformation 6. Review status: criteria provided, single submitter. Criteria: ACMG Guidelines, 2015. Collection method: clinical testing. Allele origin: germline.
Comment: Absent from controls (or at extremely low frequency if recessive) in Genome Aggregation Database.